The following is an entry in ClinVar:

ClinVar aggregate classification (germline): Uncertain significance (1 of 4 stars; one submission).

gnomAD v4.1: 3 of 1,613,958 alleles (0.00019%); highest among the groups gnomAD compares: Non-Finnish European, 0.00025%; no homozygotes.

Submission:

Labcorp Genetics (formerly Invitae), Labcorp
Classification: Uncertain significance. Last evaluated: 2024-07-24. Review status: criteria provided, single submitter. Criteria: Invitae Variant Classification Sherloc (09022015). Collection method: clinical testing. Allele origin: germline.
Comment: This sequence change replaces glutamine, which is neutral and polar, with arginine, which is basic and polar, at codon 19 of the RAI1 protein (p.Gln19Arg). This variant is not present in population databases (gnomAD no frequency). This variant has not been reported in the literature in individuals affected with RAI1-related conditions. Advanced modeling of protein sequence and biophysical properties (such as structural, functional, and spatial information, amino acid conservation, physicochemical variation, residue mobility, and thermodynamic stability) performed at Invitae indicates that this missense variant is not expected to disrupt RAI1 protein function with a negative predictive value of 80%. In summary, the available evidence is currently insufficient to determine the role of this variant in disease. Therefore, it has been classified as a Variant of Uncertain Significance.

NM_030665.4(RAI1):c.56A>G (p.Gln19Arg)

Gene: RAI1 (retinoic acid induced 1; plus strand). Cytogenetic location: 17p11.2.
Variant type: single nucleotide variant.
Coding change: c.56A>G on transcript NM_030665.4 (MANE Select); coding-DNA position 56, A replaced by G.
Protein change: p.Gln19Arg; replaces glutamine 19 with arginine.
Molecular consequence: missense variant.
Genome position (GRCh38, 1-based): chr17:17,793,004, A>G. VCF-style: chr17-17793004-A-G. GRCh37 (hg19) VCF-style: chr17-17696318-A-G.
Other names: short protein forms Q19R.
Identifiers: ClinVar variation 3644055 (VCV003644055.2).
Genomic context (GRCh38, chr17:17,793,004, plus strand): 5'-GAGTCATGCAGTCTTTTCGAGAAAGGTGTGGTTTCCATGGCAAACAACAGAACTACCAGC[A>G]GACCTCGCAGGAAACATCACGCCTAGAGAATTACAGGCAGCCGAGTCAGGCCGGGCTAAG-3'
Protein context (NP_109590.3, residues 9-29): GFHGKQQNYQ[Gln19Arg]TSQETSRLEN